The following is an entry in ClinVar:

NM_152309.3(PIK3AP1):c.1435G>A (p.Ala479Thr)

Gene: PIK3AP1 (phosphoinositide-3-kinase adaptor protein 1; minus strand). Cytogenetic location: 10q24.1.
Variant type: single nucleotide variant.
Coding change: c.1435G>A on transcript NM_152309.3 (MANE Select); coding-DNA position 1435, G replaced by A.
Protein change: p.Ala479Thr; replaces alanine 479 with threonine.
Molecular consequence: missense variant.
Genome position (GRCh38, 1-based): chr10:96,628,434, C>T on the plus strand (G>A on the coding strand, the complement: PIK3AP1 is on the minus strand). VCF-style: chr10-96628434-C-T. GRCh37 (hg19) VCF-style: chr10-98388191-C-T.
Other names: short protein forms A479T.
Identifiers: ClinVar variation 3704943 (VCV003704943.2).

ClinVar aggregate classification (germline): Uncertain significance (1 of 4 stars; one submission).

Conditions:
Infantile spasms. Also called: Infantile spasm. Identifiers: MedGen C3887898, HP:0012469.

gnomAD v4.1: 5 of 1,613,406 alleles (0.00031%); highest among the groups gnomAD compares: Non-Finnish European, 0.00042%; no homozygotes.

Submission:

Labcorp Genetics (formerly Invitae), Labcorp
Classification: Uncertain significance for Infantile spasms. Last evaluated: 2024-06-10. Review status: criteria provided, single submitter. Criteria: Invitae Variant Classification Sherloc (09022015). Collection method: clinical testing. Allele origin: germline.
Comment: This sequence change replaces alanine, which is neutral and non-polar, with threonine, which is neutral and polar, at codon 479 of the PIK3AP1 protein (p.Ala479Thr). This variant is present in population databases (rs775715601, gnomAD 0.002%). This variant has not been reported in the literature in individuals affected with PIK3AP1-related conditions. Algorithms developed to predict the effect of missense changes on protein structure and function output the following: SIFT: "Not Available"; PolyPhen-2: "Benign"; Align-GVGD: "Not Available". The threonine amino acid residue is found in multiple mammalian species, which suggests that this missense change does not adversely affect protein function. In summary, the available evidence is currently insufficient to determine the role of this variant in disease. Therefore, it has been classified as a Variant of Uncertain Significance.